The following is an entry in ClinVar:

ClinVar aggregate classification (germline): Uncertain significance (1 of 4 stars; one submission).

gnomAD v4.1: 10 of 1,614,244 alleles (0.00062%); highest among the groups gnomAD compares: East Asian, 0.016%; no homozygotes.

Submission:

Labcorp Genetics (formerly Invitae), Labcorp
Classification: Uncertain significance. Last evaluated: 2025-05-13. Review status: criteria provided, single submitter. Criteria: Invitae Variant Classification Sherloc (09022015). Collection method: clinical testing. Allele origin: germline.
Comment: This sequence change replaces isoleucine, which is neutral and non-polar, with threonine, which is neutral and polar, at codon 838 of the REST protein (p.Ile838Thr). This variant is present in population databases (rs766112311, gnomAD no frequency). This variant has not been reported in the literature in individuals affected with REST-related conditions. An algorithm developed to predict the effect of missense changes on protein structure and function (PolyPhen-2) suggests that this variant is likely to be tolerated. In summary, the available evidence is currently insufficient to determine the role of this variant in disease. Therefore, it has been classified as a Variant of Uncertain Significance.

NM_005612.5(REST):c.2513T>C (p.Ile838Thr)

Gene: REST (RE1 silencing transcription factor; plus strand). Cytogenetic location: 4q12.
Variant type: single nucleotide variant.
Coding change: c.2513T>C on transcript NM_005612.5 (MANE Select); coding-DNA position 2513, T replaced by C.
Protein change: p.Ile838Thr; replaces isoleucine 838 with threonine.
Molecular consequence: missense variant.
Genome position (GRCh38, 1-based): chr4:56,931,371, T>C. VCF-style: chr4-56931371-T-C. GRCh37 (hg19) VCF-style: chr4-57797537-T-C.
Other names: c.2513T>C, p.Ile838Thr (NM_001193508.2, NM_001363453.3); c.2429T>C, p.Ile810Thr (NM_001440532.1, NM_001440533.1); short protein forms I810T, I838T.
Identifiers: ClinVar variation 4754851 (VCV004754851.1).
Genomic context (GRCh38, chr4:56,931,371, plus strand): 5'-AAGATAAAAAGGAAAAGTCTAACATGCAGAGTGAAAGGGCACGGAAGGAGCAAGTCCTTA[T>C]TGAAGTTGGCTTAGTGCCTGTTAAAGATAGCTGGCTTCTAAAGGAAAGTGTAAGCACAGA-3'
Protein context (NP_005603.3, residues 828-848): SERARKEQVL[Ile838Thr]EVGLVPVKDS